The following is an entry in ClinVar:

NC_012920.1(MT-CYB):m.15314G>A

Gene: MT-CYB (mitochondrially encoded cytochrome b; plus strand).
Variant type: single nucleotide variant.
Genome position: chrM-15314-G-A.
Identifiers: ClinVar variation 143879 (VCV000143879.3), dbSNP rs527236176, ClinGen allele CA170523.
Genomic context (GRCh38, chrMT:15,314, plus strand): 5'-GTAGACAGTCCCACCCTCACACGATTCTTTACCTTTCACTTCATCTTGCCCTTCATTATT[G>A]CAGCCCTAGCAACACTCCACCTCCTATTCTTGCACGAAACGGGATCAAACAACCCCCTAG-3'

ClinVar aggregate classification (germline): Benign. Review status: criteria provided, single submitter (1 of 4 stars). 2 submissions from 2 submitters: Benign (1). 1 of the submissions does not count toward it. Last evaluated 2019-10-17.

Conditions:
Ovarian neoplasm. Also called: Ovarian Neoplasms; Neoplasm of ovary; Ovarian tumor. Identifiers: MedGen C0919267, MeSH D010051, MONDO:0021068, HP:0100615.
Leigh syndrome (NULS). Also called: Leigh's syndrome; Leigh Syndrome (mtDNA deletion); Leigh Disease; Subacute necrotizing encephalopathy; Necrotizing encephalopathy infantile subacute of Leigh; LEIGH SYNDROME, NUCLEAR. Identifiers: Orphanet 506, MedGen C2931891, MONDO:0009723, OMIM 256000.

Submissions (2):

Wong Mito Lab, Molecular and Human Genetics, Baylor College of Medicine
Classification: Benign for Leigh syndrome. Last evaluated: 2019-10-17. Review status: criteria provided, single submitter. Criteria: Modified ACMG Guidelines (Unpublished). Collection method: clinical testing. Allele origin: germline.
Comment: The NC_012920.1:m.15314G>A (YP_003024038.1:p.Ala190Thr) variant in MTCYB gene is interpretated to be a Benign variant based on the modified ACMG guidelines (unpublished). This variant meets the following evidence codes: BA1

Department of Zoology Govt. MVM College
Classification: Likely pathogenic for Neoplasm of ovary. Review status: no assertion criteria provided. Collection method: not provided. Allele origin: unknown. Not counted in ClinVar's aggregate classification.
Comment: KM276957
ClinVar note: Converted during submission from probable-pathogenic to Likely pathogenic.